The following is an entry in ClinVar:

NM_001002295.2(GATA3):c.483C>G (p.Val161=)

Gene: GATA3 (GATA binding protein 3; plus strand). Cytogenetic location: 10p14.
Variant type: single nucleotide variant.
Coding change: c.483C>G on transcript NM_001002295.2 (MANE Select); coding-DNA position 483, C replaced by G.
Protein change: p.Val161=; no amino-acid change (valine 161 retained).
Molecular consequence: synonymous variant.
Genome position (GRCh38, 1-based): chr10:8,058,546, C>G. VCF-style: chr10-8058546-C-G. GRCh37 (hg19) VCF-style: chr10-8100509-C-G.
Other names: c.483C>G, p.Val161= (NM_002051.3).
Identifiers: ClinVar variation 1200290 (VCV001200290.5), dbSNP rs561866523, ClinGen allele CA5404382.

ClinVar aggregate classification (germline): Likely benign. Review status: criteria provided, single submitter (1 of 4 stars). 2 submissions from 2 submitters: Likely benign (1). 1 of the submissions does not count toward it. Last evaluated 2021-03-11.

Conditions:
GATA3-related disorder. Also called: GATA3-related condition.

Allele frequency attached by ClinVar (database versions not stated): TOPMed 0.00001; gnomAD 0.00005; gnomAD exomes 0.00013; ExAC 0.00017; 1000 Genomes Project 30x 0.00031; 1000 Genomes Project 0.00040.
gnomAD v4.1: 100 of 1,612,408 alleles (0.0062%); highest among the groups gnomAD compares: South Asian, 0.097%; 1 homozygote.

Submissions (2):

GeneDx
Classification: Likely benign. Last evaluated: 2021-03-11. Review status: criteria provided, single submitter. Criteria: GeneDx Variant Classification Process June 2021. Collection method: clinical testing. Allele origin: germline. Affected: yes.

PreventionGenetics, part of Exact Sciences
Classification: Likely benign for GATA3-related condition. Last evaluated: 2019-06-21. Review status: no assertion criteria provided. Collection method: clinical testing. Allele origin: germline. Not counted in ClinVar's aggregate classification.
Comment: This variant is classified as likely benign based on ACMG/AMP sequence variant interpretation guidelines (Richards et al. 2015 PMID: 25741868, with internal and published modifications).